The following is an entry in ClinVar:

NM_016169.4(SUFU):c.*2150G>A

Gene: SUFU (SUFU negative regulator of hedgehog signaling; plus strand). Cytogenetic location: 10q24.32.
Variant type: single nucleotide variant.
Coding change: c.*2150G>A on transcript NM_016169.4 (MANE Select); 2150 bases downstream of the stop codon, G replaced by A.
Molecular consequence: 3 prime UTR variant.
Genome position (GRCh38, 1-based): chr10:102,632,305, G>A. VCF-style: chr10-102632305-G-A. GRCh37 (hg19) VCF-style: chr10-104392062-G-A.
Identifiers: ClinVar variation 878791 (VCV000878791.4), dbSNP rs561461171, ClinGen allele CA212252055.

ClinVar aggregate classification (germline): Likely benign (1 of 4 stars; one submission).

Conditions:
Medulloblastoma (MDB). Also called: Medulloblastoma, somatic; MEDULLOBLASTOMA PREDISPOSITION SYNDROME. Identifiers: Orphanet 616, MedGen C0025149, MeSH D008527, MONDO:0007959, OMIM 155255, HP:0002885.

Allele frequency attached by ClinVar (database versions not stated): gnomAD exomes 0.00001; 1000 Genomes Project 30x 0.00047; 1000 Genomes Project 0.00060.
gnomAD v4.1: 4 of 233,360 alleles (0.0017%); highest among the groups gnomAD compares: South Asian, 0.072%; no homozygotes.

Submission:

Illumina Laboratory Services, Illumina
Classification: Likely benign for Medulloblastoma. Last evaluated: 2018-01-13. Review status: criteria provided, single submitter. Criteria: ICSL Variant Classification Criteria 13 December 2019. Collection method: clinical testing. Allele origin: germline.
Comment: This variant was observed in the ICSL laboratory as part of a predisposition screen in an ostensibly healthy population. It had not been previously curated by ICSL or reported in the Human Gene Mutation Database (HGMD: prior to June 1st, 2018), and was therefore a candidate for classification through an automated scoring system. Utilizing variant allele frequency, disease prevalence and penetrance estimates, and inheritance mode, an automated score was calculated to assess if this variant is too frequent to cause the disease. Based on the score and internal cut-off values, a variant classified as likely benign is not then subjected to further curation. The score for this variant resulted in a classification of likely benign for this disease.